The following is an entry in ClinVar:

ClinVar aggregate classification (germline): Uncertain significance (1 of 4 stars; one submission).

Conditions:
Macrocephaly-developmental delay syndrome (MRT41). Also called: INTELLECTUAL DEVELOPMENTAL DISORDER, AUTOSOMAL RECESSIVE 41. Identifiers: Orphanet 397612, MedGen C3810225, MONDO:0014289, OMIM 615637.

Allele frequency attached by ClinVar (database versions not stated): gnomAD exomes below 0.00001.

Submission:

Labcorp Genetics (formerly Invitae), Labcorp
Classification: Uncertain significance for Macrocephaly-developmental delay syndrome. Last evaluated: 2019-04-28. Review status: criteria provided, single submitter. Criteria: Invitae Variant Classification Sherloc (09022015). Collection method: clinical testing. Allele origin: germline.
Comment: In summary, the available evidence is currently insufficient to determine the role of this variant in disease. Therefore, it has been classified as a Variant of Uncertain Significance. Algorithms developed to predict the effect of missense changes on protein structure and function are either unavailable or do not agree on the potential impact of this missense change (SIFT: "Deleterious"; PolyPhen-2: "Probably Damaging"; Align-GVGD: "Class C0"). This variant has not been reported in the literature in individuals with KPTN-related conditions. This variant is not present in population databases (ExAC no frequency). This sequence change replaces leucine with histidine at codon 51 of the KPTN protein (p.Leu51His). The leucine residue is weakly conserved and there is a moderate physicochemical difference between leucine and histidine.

NM_007059.4(KPTN):c.152T>A (p.Leu51His)

Gene: KPTN (kaptin, actin binding protein; minus strand). Cytogenetic location: 19q13.32.
Variant type: single nucleotide variant.
Coding change: c.152T>A on transcript NM_007059.4 (MANE Select); coding-DNA position 152, T replaced by A.
Protein change: p.Leu51His; replaces leucine 51 with histidine.
Molecular consequence: missense variant. On other transcripts: non-coding transcript variant (1).
Genome position (GRCh38, 1-based): chr19:47,484,009, A>T on the plus strand (T>A on the coding strand, the complement: KPTN is on the minus strand). VCF-style: chr19-47484009-A-T. GRCh37 (hg19) VCF-style: chr19-47987266-A-T.
Other names: c.152T>A, p.Leu51His (NM_001291296.2); short protein forms L51H.
Identifiers: ClinVar variation 951626 (VCV000951626.10), dbSNP rs951168384, ClinGen allele CA309197483.
Genomic context (GRCh38, chr19:47,484,009, plus strand): 5'-AACTGCAGCTCCTTGGCCACTGGCCGGATTTTCTGTCGGAGGTCTTGGTAGCGGAAGCCG[A>T]GCACCTTGCCTTTAAGGGTGGCGGCCAGCAGCTCCCCGCGCCCGCCGGCGCCGCCTGCCA-3'
Protein context (NP_008990.2, residues 41-61): LLAATLKGKV[Leu51His]GFRYQDLRQK